The following is an entry in ClinVar:

NM_003244.4(TGIF1):c.601C>T (p.Gln201Ter)

Gene: TGIF1 (TGFB induced factor homeobox 1; plus strand). Cytogenetic location: 18p11.31.
Variant type: single nucleotide variant.
Coding change: c.601C>T on transcript NM_003244.4 (MANE Select); coding-DNA position 601, C replaced by T.
Protein change: p.Gln201Ter; replaces glutamine 201 with a stop codon.
Molecular consequence: nonsense.
Genome position (GRCh38, 1-based): chr18:3,457,722, C>T. VCF-style: chr18-3457722-C-T. GRCh37 (hg19) VCF-style: chr18-3457720-C-T.
Other names: c.610C>T, p.Gln204Ter (NM_001278682.2); c.601C>T, p.Gln201Ter (NM_001278684.2, NM_173208.3); c.541C>T, p.Gln181Ter (NM_001278686.3, NM_001374396.1, NM_001374397.1 and 5 more transcripts); c.643C>T, p.Gln215Ter (NM_173207.4); short protein forms Q181*, Q201*, Q204*, Q215*.
Identifiers: ClinVar variation 4075614 (VCV004075614.1).

ClinVar aggregate classification (germline): Uncertain significance (1 of 4 stars; one submission).

Submission:

GeneDx
Classification: Uncertain significance. Last evaluated: 2025-02-14. Review status: criteria provided, single submitter. Criteria: GeneDx Variant Classification Process June 2021. Collection method: clinical testing. Allele origin: germline. Affected: yes.
Comment: Not observed at significant frequency in large population cohorts (gnomAD); Nonsense variant predicted to result in protein truncation as the last 72 amino acids are lost; Has not been previously published as pathogenic or benign to our knowledge